The following is an entry in ClinVar:

ClinVar aggregate classification (germline): Benign. Review status: criteria provided, multiple submitters, no conflicts (2 of 4 stars). 2 submissions from 2 submitters: Benign (2). Last evaluated 2018-01-12.

Conditions:
Holt-Oram syndrome (HOS). Also called: Ventriculo-radial syndrome; Cardiac-limb syndrome; Heart-hand syndrome, type 1; TBX5-Related Holt-Oram Syndrome. Identifiers: Orphanet 392, MedGen C0265264, MONDO:0007732, OMIM 142900.

Allele frequency attached by ClinVar (database versions not stated): gnomAD 0.01798 and 0.01931; TOPMed 0.02268; 1000 Genomes Project 0.04313; 1000 Genomes Project 30x 0.04341; gnomAD exomes 0.01633.
gnomAD v4.1: 6,151 of 351,096 alleles (1.8%); highest among the groups gnomAD compares: Admixed American, 17%; 557 homozygotes.

Submissions (2):

Illumina Laboratory Services, Illumina
Classification: Benign for Holt-Oram syndrome. Last evaluated: 2018-01-12. Review status: criteria provided, single submitter. Criteria: ICSL Variant Classification Criteria 13 December 2019. Collection method: clinical testing. Allele origin: germline.
Comment: This variant was observed in the ICSL laboratory as part of a predisposition screen in an ostensibly healthy population. It had not been previously curated by ICSL or reported in the Human Gene Mutation Database (HGMD: prior to June 1st, 2018), and was therefore a candidate for classification through an automated scoring system. Utilizing variant allele frequency, disease prevalence and penetrance estimates, and inheritance mode, an automated score was calculated to assess if this variant is too frequent to cause the disease. Based on the score and internal cut-off values, a variant classified as benign is not then subjected to further curation. The score for this variant resulted in a classification of benign for this disease.

Breakthrough Genomics
Classification: Benign. Review status: criteria provided, single submitter. Criteria: ACMG Guidelines, 2015. Collection method: not provided. Allele origin: germline. Inheritance: Autosomal dominant inheritance. Affected: yes.

NM_181486.4(TBX5):c.*384T>C

Gene: TBX5 (T-box transcription factor 5; minus strand). Cytogenetic location: 12q24.21.
Variant type: single nucleotide variant.
Coding change: c.*384T>C on transcript NM_181486.4 (MANE Select); 384 bases downstream of the stop codon, T replaced by C.
Molecular consequence: 3 prime UTR variant.
Genome position (GRCh38, 1-based): chr12:114,355,148, A>G on the plus strand (T>C on the coding strand, the complement: TBX5 is on the minus strand). VCF-style: chr12-114355148-A-G. GRCh37 (hg19) VCF-style: chr12-114792953-A-G.
Other names: c.*384T>C (NM_000192.3, NM_080717.4).
Identifiers: ClinVar variation 307295 (VCV000307295.6), dbSNP rs12426660, ClinGen allele CA10641022.